The following is an entry in ClinVar:

NM_001371727.1(GABRB2):c.832+9T>C

Gene: GABRB2 (gamma-aminobutyric acid type A receptor subunit beta2; minus strand). Cytogenetic location: 5q34.
Variant type: single nucleotide variant.
Coding change: c.832+9T>C on transcript NM_001371727.1 (MANE Select); 9 bases into the intron after coding-DNA position 832, T replaced by C.
Molecular consequence: intron variant.
Genome position (GRCh38, 1-based): chr5:161,334,743, A>G on the plus strand (T>C on the coding strand, the complement: GABRB2 is on the minus strand). VCF-style: chr5-161334743-A-G. GRCh37 (hg19) VCF-style: chr5-160761750-A-G.
Other names: c.832+9T>C (NM_000813.3, NM_021911.3).
Identifiers: ClinVar variation 386164 (VCV000386164.10), dbSNP rs1057522438, ClinGen allele CA16604845.

ClinVar aggregate classification (germline): Likely benign. Review status: criteria provided, multiple submitters, no conflicts (2 of 4 stars). 3 submissions from 3 submitters: Likely benign (3). Last evaluated 2025-01-27.

Conditions:
Intellectual disability. Also called: Intellectual developmental disorder; Intellectual functioning disability; intellectual disabilities. Identifiers: MedGen C3714756, MeSH D008607, MONDO:0001071, HP:0001249.

Allele frequency attached by ClinVar (database versions not stated): gnomAD exomes below 0.00001 and 0.00001.
gnomAD v4.1: 7 of 1,612,872 alleles (0.00043%); highest among the groups gnomAD compares: Non-Finnish European, 0.00051%; no homozygotes.

Submissions (3):

Labcorp Genetics (formerly Invitae), Labcorp
Classification: Likely benign for Intellectual disability. Last evaluated: 2025-01-27. Review status: criteria provided, single submitter. Criteria: Invitae Variant Classification Sherloc (09022015). Collection method: clinical testing. Allele origin: germline.

Blueprint Genetics
Classification: Likely benign. Last evaluated: 2024-05-23. Review status: criteria provided, single submitter. Criteria: ACMG Guidelines, 2015. Collection method: clinical testing. Allele origin: germline.

GeneDx
Classification: Likely benign. Last evaluated: 2016-05-13. Review status: criteria provided, single submitter. Criteria: GeneDx Variant Classification (06012015). Collection method: clinical testing. Allele origin: germline. Affected: yes.
Comment: This variant is considered likely benign or benign based on one or more of the following criteria: it is a conservative change, it occurs at a poorly conserved position in the protein, it is predicted to be benign by multiple in silico algorithms, and/or has population frequency not consistent with disease.